The following is an entry in ClinVar:

NM_015450.3(POT1):c.1304_1306del (p.Ala435del)

Gene: POT1 (protection of telomeres 1; minus strand). Cytogenetic location: 7q31.33.
Variant type: Deletion.
Coding change: c.1304_1306del on transcript NM_015450.3 (MANE Select); coding-DNA positions 1304 to 1306, 3 bases deleted (CAG; older notation c.1304_1306delCAG).
Protein change: p.Ala435del; deletes alanine 435.
Molecular consequence: inframe deletion. On other transcripts: non-coding transcript variant (3).
Genome position (GRCh38, 1-based): chr7:124,841,036-124,841,038, CTG deleted on the plus strand (CAG on the coding strand, the reverse complement: POT1 is on the minus strand); deleting any 3 consecutive bases within chr7:124,841,036-124,841,040 gives the same sequence; the c. name uses the placement nearest the transcript's 3' end. VCF-style (leftmost placement, unchanged base first): chr7-124841035-ACTG-A. GRCh37 (hg19) VCF-style: chr7-124481089-ACTG-A.
Other names: c.911_913del, p.Ala304del (NM_001042594.2); c.1304_1306delCAG (NM_015450.2); short protein forms A435del, A304del.
Identifiers: ClinVar variation 843864 (VCV000843864.11), dbSNP rs1795014542, ClinGen allele CA916082958.

ClinVar aggregate classification (germline): Uncertain significance. Review status: criteria provided, multiple submitters, no conflicts (2 of 4 stars). 2 submissions from 2 submitters: Uncertain significance (2). Last evaluated 2026-02-03.

Conditions:
Tumor predisposition syndrome 3 (TPDS3). Also called: Glioma susceptibility 9; LONG TELOMERE SYNDROME, POT1-RELATED; POT1 Tumor Predisposition; Melanoma, cutaneous malignant, susceptibility to, 10. Identifiers: Orphanet 618, MedGen C4014476, MONDO:0014368, OMIM 615848.
Hereditary cancer-predisposing syndrome. Also called: Tumor predisposition; Hereditary Cancer Syndrome; Hereditary neoplastic syndrome; Neoplastic Syndromes, Hereditary. Identifiers: Orphanet 140162, MedGen C0027672, MeSH D009386, MONDO:0015356.

Submissions (2):

Ambry Genetics
Classification: Uncertain significance for Hereditary cancer-predisposing syndrome. Last evaluated: 2026-02-03. Review status: criteria provided, single submitter. Criteria: Ambry Variant Classification Scheme 2023. Collection method: clinical testing. Allele origin: germline.
Comment: The c.1304_1306delCAG variant (also known as p.A435del) is located in coding exon 10 of the POT1 gene. This variant results from an in-frame CAG deletion at nucleotide positions 1304 to 1306. This results in the in-frame deletion of an alanine at codon 435. This amino acid position is not well conserved in available vertebrate species. In addition, the in silico prediction for this variant is inconclusive (Choi Y et al. PLoS ONE. 2012; 7(10):e46688). Based on the available evidence, the clinical significance of this variant remains unclear.

Labcorp Genetics (formerly Invitae), Labcorp
Classification: Uncertain significance for Tumor predisposition syndrome 3. Last evaluated: 2019-11-26. Review status: criteria provided, single submitter. Criteria: Invitae Variant Classification Sherloc (09022015). Collection method: clinical testing. Allele origin: germline.
Comment: This variant, c.1304_1306del, results in the deletion of 1 amino acid(s) of the POT1 protein (p.Ala435del), but otherwise preserves the integrity of the reading frame. This variant is not present in population databases (ExAC no frequency). This variant has not been reported in the literature in individuals with POT1-related conditions. Experimental studies and prediction algorithms are not available or were not evaluated, and the functional significance of this variant is currently unknown. In summary, the available evidence is currently insufficient to determine the role of this variant in disease. Therefore, it has been classified as a Variant of Uncertain Significance.